The following is an entry in ClinVar:

ClinVar aggregate classification (germline): Uncertain significance. Review status: criteria provided, multiple submitters, no conflicts (2 of 4 stars). 2 submissions from 2 submitters: Uncertain significance (2). Last evaluated 2025-04-14.

Conditions:
Ullrich congenital muscular dystrophy 2 (UCMD2). Identifiers: Orphanet 75840, MedGen C4225314, MONDO:0014654, OMIM 616470.
Bethlem myopathy 2 (BTHLM2). Identifiers: Orphanet 536516, Orphanet 610, MedGen C4225313, MONDO:0034022, OMIM 616471.

Allele frequency attached by ClinVar (database versions not stated): TOPMed below 0.00001; gnomAD exomes 0.00001.
gnomAD v4.1: 15 of 1,613,536 alleles (0.00093%); highest among the groups gnomAD compares: Non-Finnish European, 0.0012%; no homozygotes.

Submissions (2):

GeneDx
Classification: Uncertain significance. Last evaluated: 2025-04-14. Review status: criteria provided, single submitter. Criteria: GeneDx Variant Classification Process June 2021. Collection method: clinical testing. Allele origin: germline. Affected: yes.
Comment: Not observed at significant frequency in large population cohorts (gnomAD); In silico analysis supports that this missense variant has a deleterious effect on protein structure/function; Has not been previously published as pathogenic or benign to our knowledge

Labcorp Genetics (formerly Invitae), Labcorp
Classification: Uncertain significance for Bethlem myopathy 2; Ullrich congenital muscular dystrophy 2. Last evaluated: 2022-05-05. Review status: criteria provided, single submitter. Criteria: Invitae Variant Classification Sherloc (09022015). Collection method: clinical testing. Allele origin: germline.
Comment: In summary, the available evidence is currently insufficient to determine the role of this variant in disease. Therefore, it has been classified as a Variant of Uncertain Significance. Algorithms developed to predict the effect of missense changes on protein structure and function (SIFT, PolyPhen-2, Align-GVGD) all suggest that this variant is likely to be disruptive. This variant has not been reported in the literature in individuals affected with COL12A1-related conditions. This variant is not present in population databases (gnomAD no frequency). This sequence change replaces valine, which is neutral and non-polar, with alanine, which is neutral and non-polar, at codon 2458 of the COL12A1 protein (p.Val2458Ala).

NM_004370.6(COL12A1):c.7373T>C (p.Val2458Ala)

Gene: COL12A1 (collagen type XII alpha 1 chain; minus strand). Cytogenetic location: 6q13.
Variant type: single nucleotide variant.
Coding change: c.7373T>C on transcript NM_004370.6 (MANE Select); coding-DNA position 7373, T replaced by C.
Protein change: p.Val2458Ala; replaces valine 2458 with alanine.
Molecular consequence: missense variant.
Genome position (GRCh38, 1-based): chr6:75,117,528, A>G on the plus strand (T>C on the coding strand, the complement: COL12A1 is on the minus strand). VCF-style: chr6-75117528-A-G. GRCh37 (hg19) VCF-style: chr6-75827244-A-G.
Other names: c.7373T>C (NM_004370.5); c.3881T>C, p.Val1294Ala (NM_080645.3); short protein forms V2458A, V1294A.
Identifiers: ClinVar variation 2193500 (VCV002193500.5), dbSNP rs1769144838, ClinGen allele CA364746684.